The following is an entry in ClinVar:

NM_015915.5(ATL1):c.458G>C (p.Ser153Thr)

Gene: ATL1 (atlastin GTPase 1; plus strand). Cytogenetic location: 14q22.1.
Variant type: single nucleotide variant.
Coding change: c.458G>C on transcript NM_015915.5 (MANE Select); coding-DNA position 458, G replaced by C.
Protein change: p.Ser153Thr; replaces serine 153 with threonine.
Molecular consequence: missense variant.
Genome position (GRCh38, 1-based): chr14:50,591,575, G>C. VCF-style: chr14-50591575-G-C. GRCh37 (hg19) VCF-style: chr14-51058293-G-C.
Other names: c.458G>C, p.Ser153Thr (NM_001127713.1, NM_181598.4); short protein forms S153T.
Identifiers: ClinVar variation 1806383 (VCV001806383.2), dbSNP rs2504493603, ClinGen allele CA389667364.
Genomic context (GRCh38, chr14:50,591,575, plus strand): 5'-TGTACTCTTCTTGCCTGTAGGTTGCAGTGTTATTGATGGATACTCAGGGAACCTTTGATA[G>C]TCAGTCAACTTTGAGAGATTCAGCCACAGTATTTGCCCTTAGCACAATGATCAGCTCAAT-3'
Protein context (NP_056999.2, residues 143-163): LLMDTQGTFD[Ser153Thr]QSTLRDSATV

ClinVar aggregate classification (germline): Likely pathogenic. Review status: criteria provided, single submitter (1 of 4 stars). 2 submissions from 2 submitters: Likely pathogenic (1). 1 of the submissions does not count toward it. Last evaluated 2021-05-06.

Conditions:
Hereditary spastic paraplegia 3A (SPG3A). Also called: SPASTIC PARAPLEGIA 3, AUTOSOMAL DOMINANT; FAMILIAL SPASTIC PARAPLEGIA, AUTOSOMAL DOMINANT, 1; SPG3; STRUMPELL DISEASE; Spastic Paraplegia 3A; Spastic paraplegia 3A, autosomal dominant. Identifiers: Orphanet 100984, MedGen C2931355, MONDO:0008437, OMIM 182600.

Submissions (2):

Victorian Clinical Genetics Services, Murdoch Childrens Research Institute
Classification: Likely pathogenic for Hereditary spastic paraplegia 3A. Last evaluated: 2021-05-06. Review status: criteria provided, single submitter. Criteria: ACMG Guidelines, 2015. Collection method: clinical testing. Allele origin: germline. Inheritance: Autosomal dominant inheritance.
Comment: Based on the classification scheme VCGS_Germline_v1.3.4, this variant is classified as Likely pathogenic. Following criteria are met: 0103 - Dominant negative and loss of function (LoF) are known mechanisms of disease in this gene and are associated with spastic paraplegia 3A (MIM#182600). Mutant protein functionally impairs oligomer formation by binding to wildtype protein through a dominant negative mechanism (PMID: 16537571). Homozygous variants described in two consanguineous family indicate LoF as a potential disease mechanism (PMID: 24473461, 26888483). (I) 0107 - This gene is associated with autosomal dominant disease. (I) 0112 - The condition associated with this gene has incomplete penetrance. Reduced penetrance was previously reported in approximately 10% of HSP families (PMID: 28396731). (I) 0200 - Variant is predicted to result in a missense amino acid change from serine to threonine. (I) 0251 - This variant is heterozygous. (I) 0301 - Variant is absent from gnomAD (both v2 and v3). (SP) 0502 - Missense variant with conflicting in silico predictions and uninformative conservation. (I) 0600 - Variant is located in the annotated GBP domain (NCBI). (I) 0705 - No comparable missense variants have previous evidence for pathogenicity. (I) 0803 - This variant has limited previous evidence of pathogenicity in two unrelated reports with hereditary spastic paraplegias (PMID: 22552817, 26671083). (SP) 0905 - No published segregation evidence has been identified for this variant. (I) 1007 - No published functional evidence has been identified for this variant. (I) Legend: (SP) - Supporting pathogenic, (I) - Information, (SB) - Supporting benign

Inherited Neuropathy Consortium Ii, University Of Miami
Classification: Uncertain significance for Hereditary spastic paraplegia 3A. Last evaluated: 2016-01-06. Review status: no assertion criteria provided. Collection method: literature only. Allele origin: germline. Affected: yes. Not counted in ClinVar's aggregate classification.

Literature cited by the submitters: PubMed 16537571 (cited by Victorian Clinical Genetics Services, Murdoch Childrens Research Institute); PubMed 22552817 (cited by Victorian Clinical Genetics Services, Murdoch Childrens Research Institute); PubMed 24473461 (cited by Victorian Clinical Genetics Services, Murdoch Childrens Research Institute); PubMed 26671083 (cited by Victorian Clinical Genetics Services, Murdoch Childrens Research Institute); PubMed 26888483 (cited by Victorian Clinical Genetics Services, Murdoch Childrens Research Institute); PubMed 28396731 (cited by Victorian Clinical Genetics Services, Murdoch Childrens Research Institute); PubMed 24482476 (cited by Inherited Neuropathy Consortium Ii, University Of Miami).